The following is an entry in ClinVar:

NM_001080.3(ALDH5A1):c.1183C>T (p.Gln395Ter)

Gene: ALDH5A1 (aldehyde dehydrogenase 5 family member A1; plus strand). Cytogenetic location: 6p22.3.
Variant type: single nucleotide variant.
Coding change: c.1183C>T on transcript NM_001080.3 (MANE Select); coding-DNA position 1183, C replaced by T.
Protein change: p.Gln395Ter; replaces glutamine 395 with a stop codon.
Molecular consequence: nonsense.
Genome position (GRCh38, 1-based): chr6:24,528,006, C>T. VCF-style: chr6-24528006-C-T. GRCh37 (hg19) VCF-style: chr6-24528234-C-T.
Other names: c.1039C>T, p.Gln347Ter (NM_001368954.1); c.1222C>T, p.Gln408Ter (NM_170740.1); short protein forms Q347*, Q395*, Q408*.
Identifiers: ClinVar variation 3651665 (VCV003651665.2).

ClinVar aggregate classification (germline): Pathogenic (1 of 4 stars; one submission).

Conditions:
Succinate-semialdehyde dehydrogenase deficiency (SSADHD). Also called: 4-HYDROXYBUTYRIC ACIDURIA; GABA METABOLIC DEFECT; SSADH DEFICIENCY; Succinic Semialdehyde Dehydrogenase Deficiency. Identifiers: Orphanet 22, MedGen C0268631, MONDO:0010083, OMIM 271980.

Submission:

Labcorp Genetics (formerly Invitae), Labcorp
Classification: Pathogenic for Succinate-semialdehyde dehydrogenase deficiency. Last evaluated: 2024-05-08. Review status: criteria provided, single submitter. Criteria: Invitae Variant Classification Sherloc (09022015). Collection method: clinical testing. Allele origin: germline.
Comment: This sequence change creates a premature translational stop signal (p.Gln395*) in the ALDH5A1 gene. It is expected to result in an absent or disrupted protein product. Loss-of-function variants in ALDH5A1 are known to be pathogenic (PMID: 14635103). This variant is not present in population databases (gnomAD no frequency). This variant has not been reported in the literature in individuals affected with ALDH5A1-related conditions. For these reasons, this variant has been classified as Pathogenic.

Literature cited by the submitters: PubMed 14635103.